The following is an entry in ClinVar:

ClinVar aggregate classification (germline): Uncertain significance. Review status: criteria provided, multiple submitters, no conflicts (2 of 4 stars). 3 submissions from 3 submitters: Uncertain significance (3). Last evaluated 2023-02-27.

Conditions:
Inborn genetic diseases. Identifiers: MedGen C0950123, MeSH D030342.

Allele frequency attached by ClinVar (database versions not stated): ExAC 0.00001; gnomAD 0.00002; gnomAD exomes 0.00002 and 0.00003; TOPMed 0.00003; 1000 Genomes Project 0.00020.
gnomAD v4.1: 48 of 1,614,092 alleles (0.003%); highest among the groups gnomAD compares: African/African-American, 0.004%; no homozygotes.

Submissions (3):

Ambry Genetics
Classification: Uncertain significance for Inborn genetic diseases. Last evaluated: 2023-02-27. Review status: criteria provided, single submitter. Criteria: Ambry Variant Classification Scheme 2023. Collection method: clinical testing. Allele origin: germline.

GeneDx
Classification: Uncertain significance. Last evaluated: 2019-09-09. Review status: criteria provided, single submitter. Criteria: GeneDx Variant Classification Process June 2021. Collection method: clinical testing. Allele origin: germline. Affected: yes.
Comment: In silico analysis, which includes protein predictors and evolutionary conservation, supports that this variant does not alter protein structure/function; Has not been previously published as pathogenic or benign to our knowledge

Genetic Services Laboratory, University of Chicago
Classification: Uncertain significance. Last evaluated: 2017-02-01. Review status: criteria provided, single submitter. Criteria: ACMG Guidelines, 2015. Collection method: clinical testing. Allele origin: germline. Affected: no.

NM_014141.6(CNTNAP2):c.3235G>A (p.Val1079Ile)

Gene: CNTNAP2 (contactin associated protein 2; plus strand). Cytogenetic location: 7q36.1.
Variant type: single nucleotide variant.
Coding change: c.3235G>A on transcript NM_014141.6 (MANE Select); coding-DNA position 3235, G replaced by A.
Protein change: p.Val1079Ile; replaces valine 1079 with isoleucine.
Molecular consequence: missense variant.
Genome position (GRCh38, 1-based): chr7:148,217,512, G>A. VCF-style: chr7-148217512-G-A. GRCh37 (hg19) VCF-style: chr7-147914604-G-A.
Other names: short protein forms V1079I.
Identifiers: ClinVar variation 434808 (VCV000434808.10), dbSNP rs529269450, ClinGen allele CA4546575.